The following is an entry in ClinVar:

NM_000051.4(ATM):c.2223T>A (p.Tyr741Ter)

Gene: ATM (ATM serine/threonine kinase; plus strand). Cytogenetic location: 11q22.3.
Variant type: single nucleotide variant.
Coding change: c.2223T>A on transcript NM_000051.4 (MANE Select); coding-DNA position 2223, T replaced by A.
Protein change: p.Tyr741Ter; replaces tyrosine 741 with a stop codon.
Molecular consequence: nonsense.
Genome position (GRCh38, 1-based): chr11:108,256,313, T>A. VCF-style: chr11-108256313-T-A. GRCh37 (hg19) VCF-style: chr11-108127040-T-A.
Other names: c.2223T>A, p.Tyr741Ter (NM_001351834.2); short protein forms Y741*.
Identifiers: ClinVar variation 820922 (VCV000820922.4), dbSNP rs1057524111, ClinGen allele CA382539132.

ClinVar aggregate classification (germline): Pathogenic (1 of 4 stars; one submission).

Conditions:
Hereditary cancer-predisposing syndrome. Also called: Neoplastic Syndromes, Hereditary; Tumor predisposition; Hereditary Cancer Syndrome; Hereditary neoplastic syndrome. Identifiers: Orphanet 140162, MedGen C0027672, MeSH D009386, MONDO:0015356.

Submission:

Ambry Genetics
Classification: Pathogenic for Hereditary cancer-predisposing syndrome. Last evaluated: 2019-01-18. Review status: criteria provided, single submitter. Criteria: Ambry Variant Classification Scheme 2023. Collection method: clinical testing. Allele origin: germline.
Comment: The p.Y741* pathogenic mutation (also known as c.2223T>A), located in coding exon 13 of the ATM gene, results from a T to A substitution at nucleotide position 2223. This changes the amino acid from a tyrosine to a stop codon within coding exon 13. This alteration is expected to result in loss of function by premature protein truncation or nonsense-mediated mRNA decay. As such, this alteration is interpreted as a disease-causing mutation.